The following is an entry in ClinVar:

NM_001903.5(CTNNA1):c.349T>C (p.Ser117Pro)

Gene: CTNNA1 (catenin alpha 1; plus strand). Cytogenetic location: 5q31.2.
Variant type: single nucleotide variant.
Coding change: c.349T>C on transcript NM_001903.5 (MANE Select); coding-DNA position 349, T replaced by C.
Protein change: p.Ser117Pro; replaces serine 117 with proline.
Molecular consequence: missense variant. On other transcripts: intron variant (1).
Genome position (GRCh38, 1-based): chr5:138,810,085, T>C. VCF-style: chr5-138810085-T-C. GRCh37 (hg19) VCF-style: chr5-138145774-T-C.
Other names: c.349T>C, p.Ser117Pro (NM_001290307.3, NM_001323982.2, NM_001323983.1 and 3 more transcripts); c.40T>C, p.Ser14Pro (NM_001290309.3); c.-5-16T>C (NM_001290310.3); short protein forms S117P, S14P.
Identifiers: ClinVar variation 1732035 (VCV001732035.3), dbSNP rs2532329861, ClinGen allele CA361122965.

ClinVar aggregate classification (germline): Uncertain significance (1 of 4 stars; one submission).

Conditions:
Hereditary cancer-predisposing syndrome. Also called: Neoplastic Syndromes, Hereditary; Tumor predisposition; Hereditary Cancer Syndrome; Hereditary neoplastic syndrome. Identifiers: Orphanet 140162, MedGen C0027672, MeSH D009386, MONDO:0015356.

Submission:

Ambry Genetics
Classification: Uncertain significance for Hereditary cancer-predisposing syndrome. Last evaluated: 2025-08-01. Review status: criteria provided, single submitter. Criteria: Ambry Variant Classification Scheme 2023. Collection method: clinical testing. Allele origin: germline.
Comment: The p.S117P variant (also known as c.349T>C), located in coding exon 3 of the CTNNA1 gene, results from a T to C substitution at nucleotide position 349. The serine at codon 117 is replaced by proline, an amino acid with similar properties. This amino acid position is conserved. In addition, this alteration is predicted to be deleterious by in silico analysis. Since supporting evidence is limited at this time, the clinical significance of this alteration remains unclear.